The following is an entry in ClinVar:

NM_152730.6(TBC1D32):c.434del (p.Lys145fs)

Gene: TBC1D32 (TBC1 domain family member 32; minus strand). Cytogenetic location: 6q22.31.
Variant type: Deletion.
Coding change: c.434del on transcript NM_152730.6 (MANE Select); coding-DNA position 434, one base deleted (A; older notation c.434delA).
Protein change: p.Lys145fs; shifts the reading frame from lysine 145.
Molecular consequence: frameshift variant. On other transcripts: non-coding transcript variant (1).
Genome position (GRCh38, 1-based): chr6:121,317,556, T deleted on the plus strand (A on the coding strand, the reverse complement: TBC1D32 is on the minus strand); the first of 4 consecutive T bases (chr6:121,317,556-121,317,559); deleting any one gives the same sequence. VCF-style (leftmost placement, unchanged base first): chr6-121317555-CT-C. GRCh37 (hg19) VCF-style: chr6-121638701-CT-C.
Other names: c.434del, p.Lys145fs (NM_001367759.1, NM_001367760.1); short protein forms K145fs.
Identifiers: ClinVar variation 2140434 (VCV002140434.4), dbSNP rs1408886972, ClinGen allele CA570509873.

ClinVar aggregate classification (germline): Pathogenic (1 of 4 stars; one submission).

Submission:

Labcorp Genetics (formerly Invitae), Labcorp
Classification: Pathogenic. Last evaluated: 2024-04-25. Review status: criteria provided, single submitter. Criteria: Invitae Variant Classification Sherloc (09022015). Collection method: clinical testing. Allele origin: germline.
Comment: This sequence change creates a premature translational stop signal (p.Lys145Argfs*19) in the TBC1D32 gene. It is expected to result in an absent or disrupted protein product. Loss-of-function variants in TBC1D32 are known to be pathogenic (PMID: 37768732). This variant is present in population databases (no rsID available, gnomAD 0.009%). This variant has not been reported in the literature in individuals affected with TBC1D32-related conditions. ClinVar contains an entry for this variant (Variation ID: 2140434). For these reasons, this variant has been classified as Pathogenic.

Literature cited by the submitters: PubMed 37768732.